The following is an entry in ClinVar:

NM_001146028.2(JPH4):c.1194C>T (p.Val398=)

Gene: JPH4 (junctophilin 4; minus strand). Cytogenetic location: 14q11.2.
Variant type: single nucleotide variant.
Coding change: c.1194C>T on transcript NM_001146028.2 (MANE Select); coding-DNA position 1194, C replaced by T.
Protein change: p.Val398=; no amino-acid change (valine 398 retained).
Molecular consequence: synonymous variant.
Genome position (GRCh38, 1-based): chr14:23,571,878, G>A on the plus strand (C>T on the coding strand, the complement: JPH4 is on the minus strand). VCF-style: chr14-23571878-G-A. GRCh37 (hg19) VCF-style: chr14-24041087-G-A.
Other names: c.1194C>T, p.Val398= (NM_032452.3).
Identifiers: ClinVar variation 2644125 (VCV002644125.24), dbSNP rs750775076, ClinGen allele CA7118439.

ClinVar aggregate classification (germline): Likely benign (1 of 4 stars; one submission).

Allele frequency attached by ClinVar (database versions not stated): gnomAD exomes 0.00001; TOPMed 0.00001; ExAC 0.00002.
gnomAD v4.1: 14 of 1,612,878 alleles (0.00087%); highest among the groups gnomAD compares: Admixed American, 0.005%; no homozygotes.

Submission:

CeGaT Center for Human Genetics Tuebingen
Classification: Likely benign. Last evaluated: 2024-02-01. Review status: criteria provided, single submitter. Criteria: CeGaT Center For Human Genetics Tuebingen Variant Classification Criteria Version 2. Collection method: clinical testing. Allele origin: germline. Affected: yes. Observed: 1 variant allele.
Comment: JPH4: BP4, BP7